The following is an entry in ClinVar:

NM_004415.4(DSP):c.8346A>T (p.Lys2782Asn)

Gene: DSP (desmoplakin; plus strand). Cytogenetic location: 6p24.3.
Variant type: single nucleotide variant.
Coding change: c.8346A>T on transcript NM_004415.4 (MANE Select); coding-DNA position 8346, A replaced by T.
Protein change: p.Lys2782Asn; replaces lysine 2782 with asparagine.
Molecular consequence: missense variant.
Genome position (GRCh38, 1-based): chr6:7,585,608, A>T. VCF-style: chr6-7585608-A-T. GRCh37 (hg19) VCF-style: chr6-7585841-A-T.
Other names: c.6549A>T, p.Lys2183Asn (NM_001008844.3); c.7017A>T, p.Lys2339Asn (NM_001319034.2); short protein forms K2183N, K2339N, K2782N.
Identifiers: ClinVar variation 2940231 (VCV002940231.3), dbSNP rs2533951174, ClinGen allele CA362694965.

ClinVar aggregate classification (germline): Uncertain significance (1 of 4 stars; one submission).

Conditions:
Arrhythmogenic cardiomyopathy with wooly hair and keratoderma. Also called: PALMOPLANTAR KERATODERMA WITH LEFT VENTRICULAR CARDIOMYOPATHY AND WOOLLY HAIR; Carvajal syndrome; Dilated cardiomyopathy with woolly hair and keratoderma; Arrhythmogenic cardiomyopathy with woolly hair and keratoderma. Identifiers: Orphanet 65282, MedGen C1854063, MONDO:0011581, OMIM 605676.
Arrhythmogenic right ventricular dysplasia 8 (ARVD8). Also called: Arrhythmogenic Right Ventricular Dysplasia/Cardiomyopathy 8; ARRHYTHMOGENIC RIGHT VENTRICULAR DYSPLASIA, FAMILIAL, 8; ARRHYTHMOGENIC RIGHT VENTRICULAR CARDIOMYOPATHY 8. Identifiers: MedGen C1843896, MONDO:0011831, OMIM 607450.

Submission:

Labcorp Genetics (formerly Invitae), Labcorp
Classification: Uncertain significance for Arrhythmogenic cardiomyopathy with wooly hair and keratoderma; Arrhythmogenic right ventricular dysplasia 8. Last evaluated: 2023-04-09. Review status: criteria provided, single submitter. Criteria: Invitae Variant Classification Sherloc (09022015). Collection method: clinical testing. Allele origin: germline.
Comment: In summary, the available evidence is currently insufficient to determine the role of this variant in disease. Therefore, it has been classified as a Variant of Uncertain Significance. An algorithm developed to predict the effect of missense changes on protein structure and function (PolyPhen-2) suggests that this variant is likely to be disruptive. This variant has not been reported in the literature in individuals affected with DSP-related conditions. This variant is not present in population databases (gnomAD no frequency). This sequence change replaces lysine, which is basic and polar, with asparagine, which is neutral and polar, at codon 2782 of the DSP protein (p.Lys2782Asn).